The following is an entry in ClinVar:

ClinVar aggregate classification (germline): Uncertain significance (1 of 4 stars; one submission).

Conditions:
Autosomal dominant nonsyndromic hearing loss 1. Also called: KONIGSMARK SYNDROME; DEAFNESS, AUTOSOMAL DOMINANT 1, WITH OR WITHOUT THROMBOCYTOPENIA. Identifiers: Orphanet 90635, MedGen C1852282, MONDO:0007424, OMIM 124900.
Progressive microcephaly-seizures-cortical blindness-developmental delay syndrome. Also called: Seizures, cortical blindness, and microcephaly syndrome. Identifiers: Orphanet 477814, MedGen C5567650, MONDO:0014714, OMIM 616632.

Allele frequency attached by ClinVar (database versions not stated): gnomAD exomes 0.00001.
gnomAD v4.1: 7 of 1,610,698 alleles (0.00043%); highest among the groups gnomAD compares: Non-Finnish European, 0.00059%; no homozygotes.

Submission:

Labcorp Genetics (formerly Invitae), Labcorp
Classification: Uncertain significance for Progressive microcephaly-seizures-cortical blindness-developmental delay syndrome; Autosomal dominant nonsyndromic hearing loss 1. Last evaluated: 2025-06-10. Review status: criteria provided, single submitter. Criteria: Invitae Variant Classification Sherloc (09022015). Collection method: clinical testing. Allele origin: germline.
Comment: This sequence change replaces isoleucine, which is neutral and non-polar, with valine, which is neutral and non-polar, at codon 461 of the DIAPH1 protein (p.Ile461Val). This variant is not present in population databases (gnomAD no frequency). This variant has not been reported in the literature in individuals affected with DIAPH1-related conditions. ClinVar contains an entry for this variant (Variation ID: 2945662). Experimental studies and prediction algorithms are not available or were not evaluated, and the functional significance of this variant is currently unknown. In summary, the available evidence is currently insufficient to determine the role of this variant in disease. Therefore, it has been classified as a Variant of Uncertain Significance.

NM_005219.5(DIAPH1):c.1381A>G (p.Ile461Val)

Gene: DIAPH1 (diaphanous related formin 1; minus strand). Cytogenetic location: 5q31.3.
Variant type: single nucleotide variant.
Coding change: c.1381A>G on transcript NM_005219.5 (MANE Select); coding-DNA position 1381, A replaced by G.
Protein change: p.Ile461Val; replaces isoleucine 461 with valine.
Molecular consequence: missense variant.
Genome position (GRCh38, 1-based): chr5:141,576,771, T>C on the plus strand (A>G on the coding strand, the complement: DIAPH1 is on the minus strand). VCF-style: chr5-141576771-T-C. GRCh37 (hg19) VCF-style: chr5-140956338-T-C.
Other names: c.1354A>G, p.Ile452Val (NM_001079812.3); c.1381A>G, p.Ile461Val (NM_001314007.2); short protein forms I452V, I461V.
Identifiers: ClinVar variation 2945662 (VCV002945662.3), dbSNP rs2513751761, ClinGen allele CA361527420.